The following is an entry in ClinVar:

NM_052859.4(RFT1):c.545del (p.Phe182fs)

Gene: RFT1 (RFT1 homolog; minus strand). Cytogenetic location: 3p21.1.
Variant type: Deletion.
Coding change: c.545del on transcript NM_052859.4 (MANE Select); coding-DNA position 545, one base deleted (T; older notation c.545delT).
Protein change: p.Phe182fs; shifts the reading frame from phenylalanine 182.
Molecular consequence: frameshift variant.
Genome position (GRCh38, 1-based): chr3:53,121,712, A deleted on the plus strand (T on the coding strand, the reverse complement: RFT1 is on the minus strand); the first of 4 consecutive A bases (chr3:53,121,712-53,121,715); deleting any one gives the same sequence. VCF-style (leftmost placement, unchanged base first): chr3-53121711-GA-G. GRCh37 (hg19) VCF-style: chr3-53155727-GA-G.
Other names: c.545delT (NM_052859.3); short protein forms F182fs.
Identifiers: ClinVar variation 426331 (VCV000426331.3), dbSNP rs753344909, ClinGen allele CA2451426.

ClinVar aggregate classification (germline): Likely pathogenic (1 of 4 stars; one submission).

Submission:

GeneDx
Classification: Likely pathogenic. Last evaluated: 2019-05-10. Review status: criteria provided, single submitter. Criteria: GeneDx Variant Classification Process June 2021. Collection method: clinical testing. Allele origin: germline. Affected: yes.
Comment: Frameshift variant predicted to result in protein truncation or nonsense mediated decay in a gene for which loss-of-function is a known mechanism of disease; Not observed at a significant frequency in large population cohorts (Lek et al., 2016); Has not been previously published as pathogenic or benign to our knowledge